The following is an entry in ClinVar:

ClinVar aggregate classification (germline): Benign. Review status: criteria provided, single submitter (1 of 4 stars). 2 submissions from 2 submitters: Benign (1). 1 of the submissions does not count toward it. Last evaluated 2025-12-16.

Conditions:
LONP1-related disorder. Also called: LONP1-related condition; LONP1-related disorders.

Allele frequency attached by ClinVar (database versions not stated): gnomAD exomes 0.00014 and 0.00034; ESP Exome Variant Server 0.00015; gnomAD 0.00015 and 0.00022; TOPMed 0.00022; ExAC 0.00044; 1000 Genomes Project 30x 0.00094; 1000 Genomes Project 0.00120.
gnomAD v4.1: 240 of 1,614,082 alleles (0.015%); highest among the groups gnomAD compares: East Asian, 0.082%; no homozygotes.

Submissions (2):

Labcorp Genetics (formerly Invitae), Labcorp
Classification: Benign. Last evaluated: 2025-12-16. Review status: criteria provided, single submitter. Criteria: Invitae Variant Classification Sherloc (09022015). Collection method: clinical testing. Allele origin: germline.

PreventionGenetics, part of Exact Sciences
Classification: Likely benign for LONP1-related condition. Last evaluated: 2022-12-16. Review status: no assertion criteria provided. Collection method: clinical testing. Allele origin: germline. Not counted in ClinVar's aggregate classification.
Comment: This variant is classified as likely benign based on ACMG/AMP sequence variant interpretation guidelines (Richards et al. 2015 PMID: 25741868, with internal and published modifications).

NM_004793.4(LONP1):c.563C>T (p.Thr188Met)

Gene: LONP1 (lon peptidase 1, mitochondrial; minus strand). Cytogenetic location: 19p13.3.
Variant type: single nucleotide variant.
Coding change: c.563C>T on transcript NM_004793.4 (MANE Select); coding-DNA position 563, C replaced by T.
Protein change: p.Thr188Met; replaces threonine 188 with methionine.
Molecular consequence: missense variant. On other transcripts: 5 prime UTR variant (1), non-coding transcript variant (1).
Genome position (GRCh38, 1-based): chr19:5,713,209, G>A on the plus strand (C>T on the coding strand, the complement: LONP1 is on the minus strand). VCF-style: chr19-5713209-G-A. GRCh37 (hg19) VCF-style: chr19-5713220-G-A.
Other names: c.563C>T (NM_004793.3); c.371C>T, p.Thr124Met (NM_001276479.2); c.-26C>T (NM_001276480.1); short protein forms T124M, T188M.
Identifiers: ClinVar variation 1358130 (VCV001358130.8), dbSNP rs147052599, ClinGen allele CA9115070.
Genomic context (GRCh38, chr19:5,713,209, plus strand): 5'-ACGATCATGCGCAGCTTGTCCCCAAGGTCCTGCATCTCATGGATCTGGGCAAACGTCCCC[G>A]TGTGGTAGATTTCATCCAGGCTCTCGACCACATCCGACTCATTGCTGTGGGAGAAGAGCA-3'
Protein context (NP_004784.2, residues 178-198): VVESLDEIYH[Thr188Met]GTFAQIHEMQ